The following is an entry in ClinVar:

ClinVar aggregate classification (germline): Likely pathogenic (1 of 4 stars; one submission).

Conditions:
Perlman syndrome (PRLMNS). Identifiers: Orphanet 2849, MedGen C0796113, MONDO:0009965, OMIM 267000.

Submission:

Labcorp Genetics (formerly Invitae), Labcorp
Classification: Likely pathogenic for Perlman syndrome. Last evaluated: 2021-03-24. Review status: criteria provided, single submitter. Criteria: Invitae Variant Classification Sherloc (09022015). Collection method: clinical testing. Allele origin: germline.
Comment: In summary, the currently available evidence indicates that the variant is pathogenic, but additional data are needed to prove that conclusively. Therefore, this variant has been classified as Likely Pathogenic. This variant has not been reported in the literature in individuals with DIS3L2-related conditions. This variant results in a copy number gain of the genomic region encompassing exon(s) 9-10 of the DIS3L2 gene. While the exact position of this variant cannot be determined from the data, sub-genic copy number gains are generally in tandem (PMID: 25640679). This variant is predicted to be out-of-frame, and may result in an absent or disrupted protein product. Loss-of-function variants in DIS3L2 are known to be pathogenic (PMID: 22306653, 28328139).

Literature cited by the submitters: PubMed 25640679; PubMed 22306653; PubMed 28328139.

NC_000002.11:g.(?_233028159)_(233075125_?)dup

Gene: DIS3L2 (DIS3 like 3'-5' exoribonuclease 2; plus strand). Cytogenetic location: 2q37.1.
Variant type: Duplication.
Identifiers: ClinVar variation 1347322 (VCV001347322.4).